The following is an entry in ClinVar:

NM_004239.4(TRIP11):c.4519G>A (p.Ala1507Thr)

Gene: TRIP11 (thyroid hormone receptor interactor 11; minus strand). Cytogenetic location: 14q32.12.
Variant type: single nucleotide variant.
Coding change: c.4519G>A on transcript NM_004239.4 (MANE Select); coding-DNA position 4519, G replaced by A.
Protein change: p.Ala1507Thr; replaces alanine 1507 with threonine.
Molecular consequence: missense variant.
Genome position (GRCh38, 1-based): chr14:92,003,457, C>T on the plus strand (G>A on the coding strand, the complement: TRIP11 is on the minus strand). VCF-style: chr14-92003457-C-T. GRCh37 (hg19) VCF-style: chr14-92469801-C-T.
Other names: c.4516G>A, p.Ala1506Thr (NM_001321851.1); short protein forms A1506T, A1507T.
Identifiers: ClinVar variation 1031397 (VCV001031397.1), dbSNP rs1348628757, ClinGen allele CA390648868.

ClinVar aggregate classification (germline): Uncertain significance (1 of 4 stars; one submission).

Conditions:
Achondrogenesis, type IA (ACG1A). Identifiers: Orphanet 932, Orphanet 93299, MedGen C0265273, MONDO:0008701, OMIM 200600.

gnomAD v4.1: 1 of 1,613,968 alleles (0.000062%); highest among the groups gnomAD compares: Non-Finnish European, 0.000085%; no homozygotes.

Submission:

Baylor Genetics
Classification: Uncertain significance for Achondrogenesis, type IA. Last evaluated: 2018-09-25. Review status: criteria provided, single submitter. Criteria: ACMG Guidelines, 2015. Collection method: clinical testing. Allele origin: maternal. Affected: yes.
Comment: This variant was determined to be of uncertain significance according to ACMG Guidelines, 2015 [PMID:25741868].